The following is an entry in ClinVar:

NM_030770.4(TMPRSS5):c.786-4G>A

Gene: TMPRSS5 (transmembrane serine protease 5; minus strand). Cytogenetic location: 11q23.2.
Variant type: single nucleotide variant.
Coding change: c.786-4G>A on transcript NM_030770.4 (MANE Select); 4 bases into the intron before coding-DNA position 786, G replaced by A.
Molecular consequence: intron variant.
Genome position (GRCh38, 1-based): chr11:113,693,253, C>T on the plus strand (G>A on the coding strand, the complement: TMPRSS5 is on the minus strand). VCF-style: chr11-113693253-C-T. GRCh37 (hg19) VCF-style: chr11-113563975-C-T.
Other names: c.447-4G>A (NM_001288749.2); c.654-4G>A (NM_001288750.2); c.579-4G>A (NM_001288752.2); c.759-4G>A (NM_001288751.2).
Identifiers: ClinVar variation 3052116 (VCV003052116.2), dbSNP rs371243129, ClinGen allele CA6281729.

ClinVar aggregate classification (germline): Likely benign (0 of 4 stars; one submission).

Conditions:
TMPRSS5-related disorder. Also called: TMPRSS5-related condition.

Allele frequency attached by ClinVar (database versions not stated): gnomAD 0.00001; ExAC 0.00002; gnomAD exomes 0.00002; TOPMed 0.00002; ESP Exome Variant Server 0.00008.

Submission:

PreventionGenetics, part of Exact Sciences
Classification: Likely benign for TMPRSS5-related condition. Last evaluated: 2020-02-17. Review status: no assertion criteria provided. Collection method: clinical testing. Allele origin: germline.
Comment: This variant is classified as likely benign based on ACMG/AMP sequence variant interpretation guidelines (Richards et al. 2015 PMID: 25741868, with internal and published modifications).